The following is an entry in ClinVar:

NM_022124.6(CDH23):c.8825A>G (p.Asp2942Gly)

Gene: CDH23 (cadherin related 23; plus strand). Cytogenetic location: 10q22.1.
Variant type: single nucleotide variant.
Coding change: c.8825A>G on transcript NM_022124.6 (MANE Select); coding-DNA position 8825, A replaced by G.
Protein change: p.Asp2942Gly; replaces aspartic acid 2942 with glycine.
Molecular consequence: missense variant.
Genome position (GRCh38, 1-based): chr10:71,809,922, A>G. VCF-style: chr10-71809922-A-G. GRCh37 (hg19) VCF-style: chr10-73569679-A-G.
Other names: c.2105A>G, p.Asp702Gly (NM_001171933.1, NM_001171934.1); c.8825A>G (NM_022124.5); short protein forms D2942G, D702G.
Identifiers: ClinVar variation 1450497 (VCV001450497.4), dbSNP rs775371114, ClinGen allele CA5546761.
Genomic context (GRCh38, chr10:71,809,922, plus strand): 5'-CCTACAGCCCCGGCTACTTCGTGGTGGACATTGTGGCCCGAGACCTGGCAGGCCACAACG[A>G]CACGGCCATCATCGGCATCTACATCCTGAGGGACGACCAGCGCGTCAAGATCGTCATTAA-3'
Protein context (NP_071407.4, residues 2932-2952): IVARDLAGHN[Asp2942Gly]TAIIGIYILR

ClinVar aggregate classification (germline): Uncertain significance. Review status: criteria provided, multiple submitters, no conflicts (2 of 4 stars). 2 submissions from 2 submitters: Uncertain significance (2). Last evaluated 2025-07-11.

Allele frequency attached by ClinVar (database versions not stated): ExAC 0.00001; gnomAD 0.00001; gnomAD exomes 0.00001; TOPMed 0.00002.
gnomAD v4.1: 4 of 1,612,924 alleles (0.00025%); highest among the groups gnomAD compares: Admixed American, 0.0067%; no homozygotes.

Submissions (2):

GeneDx
Classification: Uncertain significance. Last evaluated: 2025-07-11. Review status: criteria provided, single submitter. Criteria: GeneDx Variant Classification Process June 2021. Collection method: clinical testing. Allele origin: germline.
Comment: In silico analysis supports that this missense variant has a deleterious effect on protein structure/function; Has not been previously published as pathogenic or benign to our knowledge

Labcorp Genetics (formerly Invitae), Labcorp
Classification: Uncertain significance. Last evaluated: 2021-11-08. Review status: criteria provided, single submitter. Criteria: Invitae Variant Classification Sherloc (09022015). Collection method: clinical testing. Allele origin: germline.
Comment: This sequence change replaces aspartic acid, which is acidic and polar, with glycine, which is neutral and non-polar, at codon 2942 of the CDH23 protein (p.Asp2942Gly). This variant is present in population databases (rs775371114, gnomAD 0.009%). This variant has not been reported in the literature in individuals affected with CDH23-related conditions. Algorithms developed to predict the effect of missense changes on protein structure and function are either unavailable or do not agree on the potential impact of this missense change (SIFT: "Deleterious"; PolyPhen-2: "Not Available"; Align-GVGD: "Class C0"). In summary, the available evidence is currently insufficient to determine the role of this variant in disease. Therefore, it has been classified as a Variant of Uncertain Significance.